The following is an entry in ClinVar:

NM_172364.5(CACNA2D4):c.680C>T (p.Ser227Phe)

Gene: CACNA2D4 (calcium voltage-gated channel auxiliary subunit alpha2delta 4; minus strand). Cytogenetic location: 12p13.33.
Variant type: single nucleotide variant.
Coding change: c.680C>T on transcript NM_172364.5 (MANE Select); coding-DNA position 680, C replaced by T.
Protein change: p.Ser227Phe; replaces serine 227 with phenylalanine.
Molecular consequence: missense variant.
Genome position (GRCh38, 1-based): chr12:1,907,541, G>A on the plus strand (C>T on the coding strand, the complement: CACNA2D4 is on the minus strand). VCF-style: chr12-1907541-G-A. GRCh37 (hg19) VCF-style: chr12-2016707-G-A.
Other names: short protein forms S227F.
Identifiers: ClinVar variation 2004763 (VCV002004763.4), dbSNP rs2497326339, ClinGen allele CA383363946.

ClinVar aggregate classification (germline): Uncertain significance (1 of 4 stars; one submission).

Allele frequency attached by ClinVar (database versions not stated): gnomAD exomes below 0.00001.
gnomAD v4.1: 1 of 1,613,152 alleles (0.000062%); highest among the groups gnomAD compares: Non-Finnish European, 0.000085%; no homozygotes.

Submission:

Labcorp Genetics (formerly Invitae), Labcorp
Classification: Uncertain significance. Last evaluated: 2022-07-23. Review status: criteria provided, single submitter. Criteria: Invitae Variant Classification Sherloc (09022015). Collection method: clinical testing. Allele origin: germline.
Comment: This variant has not been reported in the literature in individuals affected with CACNA2D4-related conditions. This sequence change replaces serine, which is neutral and polar, with phenylalanine, which is neutral and non-polar, at codon 227 of the CACNA2D4 protein (p.Ser227Phe). This variant is not present in population databases (gnomAD no frequency). Algorithms developed to predict the effect of missense changes on protein structure and function (SIFT, PolyPhen-2, Align-GVGD) all suggest that this variant is likely to be disruptive. In summary, the available evidence is currently insufficient to determine the role of this variant in disease. Therefore, it has been classified as a Variant of Uncertain Significance.